The following is an entry in ClinVar:

ClinVar aggregate classification (germline): Uncertain significance (1 of 4 stars; one submission).

Conditions:
Dystonia 5 (DRD). Also called: DYSTONIA, PROGRESSIVE, WITH DIURNAL VARIATION; DYSTONIA-PARKINSONISM WITH DIURNAL FLUCTUATION; Dystonia, DOPA-responsive, with or without hyperphenylalaninemia; DYT-GCH1; GTP Cyclohydrolase 1-Deficient Dopa-Responsive Dystonia. Identifiers: Orphanet 98808, MedGen C1851920, MONDO:0007495, OMIM 128230.
GTP cyclohydrolase I deficiency. Identifiers: MedGen C0268467, MONDO:0100184.

Allele frequency attached by ClinVar (database versions not stated): gnomAD exomes below 0.00001.
gnomAD v4.1: 2 of 1,612,214 alleles (0.00012%); highest among the groups gnomAD compares: Non-Finnish European, 0.00017%; no homozygotes.

Submission:

Labcorp Genetics (formerly Invitae), Labcorp
Classification: Uncertain significance for GTP cyclohydrolase I deficiency; Dystonia 5. Last evaluated: 2021-10-18. Review status: criteria provided, single submitter. Criteria: Invitae Variant Classification Sherloc (09022015). Collection method: clinical testing. Allele origin: germline.
Comment: This sequence change replaces glutamic acid with valine at codon 65 of the GCH1 protein (p.Glu65Val). The glutamic acid residue is moderately conserved and there is a moderate physicochemical difference between glutamic acid and valine. This variant is not present in population databases (ExAC no frequency). This variant has not been reported in the literature in individuals affected with GCH1-related conditions. Advanced modeling of protein sequence and biophysical properties (such as structural, functional, and spatial information, amino acid conservation, physicochemical variation, residue mobility, and thermodynamic stability) performed at Invitae indicates that this missense variant is not expected to disrupt GCH1 protein function. In summary, the available evidence is currently insufficient to determine the role of this variant in disease. Therefore, it has been classified as a Variant of Uncertain Significance.

NM_000161.3(GCH1):c.194A>T (p.Glu65Val)

Gene: GCH1 (GTP cyclohydrolase 1; minus strand). Cytogenetic location: 14q22.2.
Variant type: single nucleotide variant.
Coding change: c.194A>T on transcript NM_000161.3 (MANE Select); coding-DNA position 194, A replaced by T.
Protein change: p.Glu65Val; replaces glutamic acid 65 with valine.
Molecular consequence: missense variant.
Genome position (GRCh38, 1-based): chr14:54,902,470, T>A on the plus strand (A>T on the coding strand, the complement: GCH1 is on the minus strand). VCF-style: chr14-54902470-T-A. GRCh37 (hg19) VCF-style: chr14-55369188-T-A.
Other names: c.194A>T, p.Glu65Val (NM_001024024.2, NM_001024070.2, NM_001024071.2); short protein forms E65V.
Identifiers: ClinVar variation 1443075 (VCV001443075.3), dbSNP rs2140127337, ClinGen allele CA389793987.